The following is an entry in ClinVar:

NM_007294.4(BRCA1):c.1552A>G (p.Ile518Val)

Gene: BRCA1 (BRCA1 DNA repair associated; minus strand). Cytogenetic location: 17q21.31.
Variant type: single nucleotide variant.
Coding change: c.1552A>G on transcript NM_007294.4 (MANE Select); coding-DNA position 1552, A replaced by G.
Protein change: p.Ile518Val; replaces isoleucine 518 with valine.
Molecular consequence: missense variant. On other transcripts: intron variant (137).
Genome position (GRCh38, 1-based): chr17:43,093,979, T>C on the plus strand (A>G on the coding strand, the complement: BRCA1 is on the minus strand). VCF-style: chr17-43093979-T-C. GRCh37 (hg19) VCF-style: chr17-41245996-T-C.
Other names: c.454+765A>G (NM_001408502.1); c.577+765A>G (NM_001408489.1, NM_001408479.1, NM_001408482.1 and 9 more transcripts); c.661+765A>G (NM_001408445.1, NM_001408432.1, NM_001408450.1 and 6 more transcripts); c.667+1867A>G (NM_001408431.1, NM_001408424.1, NM_001408421.1); c.784+765A>G (NM_001408407.1, NM_001408402.1, NM_001408473.1 and 13 more transcripts); c.1339A>G, p.Ile447Val (NM_001407571.1, NM_001407894.1, NM_001407895.1 and 9 more transcripts); c.1552A>G, p.Ile518Val (NM_001407581.1, NM_001407582.1, NM_001407583.1 and 30 more transcripts); c.664+765A>G (NM_001408443.1, NM_001408439.1, NM_001408425.1 and 12 more transcripts); and 40 more; short protein forms I471V, I518V, I350V, I407V, I447V, I450V, I492V, I515V.
Identifiers: ClinVar variation 819513 (VCV000819513.14), dbSNP rs1597875402, ClinGen allele CA10598943.

ClinVar aggregate classification (germline): Conflicting classifications of pathogenicity. Review status: criteria provided, conflicting classifications (1 of 4 stars). 5 submissions from 5 submitters: Uncertain significance (4); Likely benign (1). Last evaluated 2025-11-27.

Conditions:
Hereditary cancer-predisposing syndrome. Also called: Neoplastic Syndromes, Hereditary; Tumor predisposition; Hereditary Cancer Syndrome; Hereditary neoplastic syndrome. Identifiers: Orphanet 140162, MedGen C0027672, MeSH D009386, MONDO:0015356.
Hereditary breast ovarian cancer syndrome. Also called: Hereditary breast and/or ovarian cancer syndrome; BRCA1- and BRCA2-Associated Hereditary Breast and Ovarian Cancer; Hereditary breast and ovarian cancer syndrome; Hereditary breast and ovarian cancer; Hereditary breast and ovarian cancer syndrome (HBOC); Breast and ovarian cancer. Identifiers: Orphanet 145, MedGen C0677776, MeSH D061325, MONDO:0003582. Disease mechanism: loss of function.

Submissions (5):

Labcorp Genetics (formerly Invitae), Labcorp
Classification: Uncertain significance for Hereditary breast ovarian cancer syndrome. Last evaluated: 2025-11-27. Review status: criteria provided, single submitter. Criteria: Invitae Variant Classification Sherloc (09022015). Collection method: clinical testing. Allele origin: germline.
Comment: This sequence change replaces isoleucine, which is neutral and non-polar, with valine, which is neutral and non-polar, at codon 518 of the BRCA1 protein (p.Ile518Val). This variant is not present in population databases (gnomAD no frequency). This variant has not been reported in the literature in individuals affected with BRCA1-related conditions. ClinVar contains an entry for this variant (Variation ID: 819513). Invitae Evidence Modeling of protein sequence and biophysical properties (such as structural, functional, and spatial information, amino acid conservation, physicochemical variation, residue mobility, and thermodynamic stability) indicates that this missense variant is expected to disrupt BRCA1 protein function with a positive predictive value of 80%. In summary, the available evidence is currently insufficient to determine the role of this variant in disease. Therefore, it has been classified as a Variant of Uncertain Significance.

Quest Diagnostics Nichols Institute San Juan Capistrano
Classification: Uncertain significance. Last evaluated: 2025-08-18. Review status: criteria provided, single submitter. Criteria: Quest Diagnostics criteria. Collection method: clinical testing. Allele origin: unknown.
Comment: The BRCA1 c.1552A>G (p.Ile518Val) variant has been reported in the published literature in reportedly unaffected individuals (PMID: 36243179 (2022), and described to be located in a region of the BRCA1 gene that is tolerant to missense sequence changes (PMID: 31911673 (2020)). This variant has not been reported in large, multi-ethnic general populations (Genome Aggregation Database). Analysis of this variant using bioinformatics tools for the prediction of the effect of amino acid changes on protein structure and function yielded conflicting predictions that this variant is benign or damaging. Based on the available information, we are unable to determine the clinical significance of this variant.

University of Washington Department of Laboratory Medicine, University of Washington
Classification: Likely benign for Hereditary cancer-predisposing syndrome. Last evaluated: 2023-03-23. Review status: criteria provided, single submitter. Criteria: Dines et al. (Genet Med. 2020). Collection method: curation. Allele origin: germline.
Comment: Missense variant in a coldspot region where missense variants are very unlikely to be pathogenic (PMID:31911673).

BRCA1 coldspot (exon 11 using historical exon numbering). Reclassification based on statistical prior probability

Color Diagnostics, LLC DBA Color Health
Classification: Uncertain significance for Hereditary cancer-predisposing syndrome. Last evaluated: 2019-09-13. Review status: criteria provided, single submitter. Criteria: ACMG Guidelines, 2015. Collection method: clinical testing. Allele origin: germline.
Comment: This missense variant replaces isoleucine with valine at codon 518 of the BRCA1 protein. Computational prediction tool suggests that this variant may have deleterious impact on protein structure and function (internally defined REVEL score threshold ≥0.7, PMID: 27666373). Splice site prediction tools suggest that this variant may not impact RNA splicing. To our knowledge, functional studies have not been performed for this variant. This variant has not been reported in individuals affected with hereditary cancer in the literature. This variant has not been identified in the general population by the Genome Aggregation Database (gnomAD). The available evidence is insufficient to determine the role of this variant in disease conclusively. Therefore, this variant is classified as a Variant of Uncertain Significance.

Ambry Genetics
Classification: Uncertain significance for Hereditary cancer-predisposing syndrome. Last evaluated: 2019-08-30. Review status: criteria provided, single submitter. Criteria: Ambry Variant Classification Scheme 2023. Collection method: clinical testing. Allele origin: germline.
Comment: The p.I518V variant (also known as c.1552A>G), located in coding exon 9 of the BRCA1 gene, results from an A to G substitution at nucleotide position 1552. The isoleucine at codon 518 is replaced by valine, an amino acid with highly similar properties. This amino acid position is highly conserved in available vertebrate species. In addition, this alteration is predicted to be deleterious by in silico analysis. Since supporting evidence is limited at this time, the clinical significance of this alteration remains unclear.

Literature cited by the submitters: PubMed 31911673 (cited by Quest Diagnostics Nichols Institute San Juan Capistrano); PubMed 36243179 (cited by Quest Diagnostics Nichols Institute San Juan Capistrano).